The following is an entry in ClinVar:

NM_001013838.3(CARMIL2):c.776+6G>A

Gene: CARMIL2 (capping protein regulator and myosin 1 linker 2; plus strand). Cytogenetic location: 16q22.1.
Variant type: single nucleotide variant.
Coding change: c.776+6G>A on transcript NM_001013838.3 (MANE Select); 6 bases into the intron after coding-DNA position 776, G replaced by A.
Molecular consequence: intron variant.
Genome position (GRCh38, 1-based): chr16:67,647,393, G>A. VCF-style: chr16-67647393-G-A. GRCh37 (hg19) VCF-style: chr16-67681296-G-A.
Other names: c.776+6G>A (NM_001317026.3).
Identifiers: ClinVar variation 1461673 (VCV001461673.6), dbSNP rs1257390936, ClinGen allele CA2573152551.

ClinVar aggregate classification (germline): Uncertain significance (1 of 4 stars; one submission).

Submission:

Labcorp Genetics (formerly Invitae), Labcorp
Classification: Uncertain significance. Last evaluated: 2021-02-18. Review status: criteria provided, single submitter. Criteria: Invitae Variant Classification Sherloc (09022015). Collection method: clinical testing. Allele origin: germline.
Comment: In summary, the available evidence is currently insufficient to determine the role of this variant in disease. Therefore, it has been classified as a Variant of Uncertain Significance. Nucleotide substitutions within the consensus splice site are a relatively common cause of aberrant splicing (PMID: 17576681, 9536098). Algorithms developed to predict the effect of sequence changes on RNA splicing suggest that this variant is not likely to affect RNA splicing, but this prediction has not been confirmed by published transcriptional studies. This variant has not been reported in the literature in individuals with CARMIL2-related conditions. This variant is not present in population databases (ExAC no frequency). This sequence change falls in intron 10 of the CARMIL2 gene. It does not directly change the encoded amino acid sequence of the CARMIL2 protein. It affects a nucleotide within the consensus splice site of the intron.

Literature cited by the submitters: PubMed 17576681; PubMed 9536098.